The following is an entry in ClinVar:

NM_014625.4(NPHS2):c.241dup (p.Val81fs)

Gene: NPHS2 (NPHS2 stomatin family member, podocin; minus strand). Cytogenetic location: 1q25.2.
Variant type: Duplication.
Coding change: c.241dup on transcript NM_014625.4 (MANE Select); coding-DNA position 241, one base duplicated (G; older notation c.241dupG).
Protein change: p.Val81fs; shifts the reading frame from valine 81.
Molecular consequence: frameshift variant.
Genome position (GRCh38, 1-based): chr1:179,575,624, C duplicated on the plus strand (G on the coding strand, the reverse complement: NPHS2 is on the minus strand); the first of 2 consecutive C bases (chr1:179,575,624-179,575,625); duplicating either gives the same sequence. VCF-style (leftmost placement, unchanged base first): chr1-179575623-A-AC. GRCh37 (hg19) VCF-style: chr1-179544758-A-AC.
Other names: c.241dup, p.Val81fs (NM_001297575.2); short protein forms V81fs.
Identifiers: ClinVar variation 5011761 (VCV005011761.1).

ClinVar aggregate classification (germline): Pathogenic (1 of 4 stars; one submission).

Conditions:
Nephrotic syndrome, type 2 (NPHS2). Also called: NEPHROTIC SYNDROME, STEROID-RESISTANT, AUTOSOMAL RECESSIVE. Identifiers: Orphanet 656, MedGen C1868672, MONDO:0010974, OMIM 600995.

Submission:

Myriad Genetics, Inc.
Classification: Pathogenic for Nephrotic syndrome, type 2. Last evaluated: 2023-09-27. Review status: criteria provided, single submitter. Criteria: Myriad Autosomal Dominant, Autosomal Recessive and X-Linked Classification Criteria (2023). Collection method: clinical testing. Allele origin: unknown.
Comment: NM_014625.2(NPHS2):c.241dupG(V81Gfs*22) is expected to be pathogenic in the context of nephrotic syndrome, NPHS2-related. This variant is predicted to lead to an abnormal or absent protein product due to the creation of a premature termination codon in NPHS2, a gene where loss-of-function variants are known to be pathogenic. Please note: this variant was assessed in the context of healthy population screening.